The following is an entry in ClinVar:

ClinVar aggregate classification (germline): Pathogenic/Likely pathogenic. Review status: criteria provided, multiple submitters, no conflicts (2 of 4 stars). 5 submissions from 5 submitters: Pathogenic (1); Likely pathogenic (3). 1 of the submissions does not count toward it. Last evaluated 2025-02-24.

Conditions:
Mitochondrial trifunctional protein deficiency 1 (MTPD1). Identifiers: MedGen CN376812, MONDO:0958181, OMIM 609015.
Long chain 3-hydroxyacyl-CoA dehydrogenase deficiency. Also called: Deficiency of long-chain 3-hydroxyacyl-coenzyme A dehydrogenase; LCHAD Deficiency. Identifiers: Orphanet 5, MedGen C3711645, MONDO:0012173, OMIM 609016.
Mitochondrial trifunctional protein deficiency. Identifiers: Orphanet 746, MedGen C1969443, MONDO:0012172.

Submissions (5):

Natera, Inc.
Classification: Likely pathogenic for Deficiency of long-chain 3-hydroxyacyl-coenzyme A dehydrogenase. Last evaluated: 2025-02-24. Review status: criteria provided, single submitter. Criteria: Natera Variant Classification Schema (03/2026). Collection method: clinical testing. Allele origin: germline.
Comment: The c.1620+2_1620+6delTAAGG variant in HADHA is a canonical splice donor site variant predicted to affect pre-mRNA splicing, which may result in an abnormal transcript and altered protein product. This variant is expected to result in nonsense mediated decay, truncation, or a dysfunctional protein product. This variant is rare in the general population with a frequency below the threshold expected for the associated phenotype(s). This variant has been observed in one or more individuals affected with the associated recessive disease, as either homozygous or compound heterozygous with a second variant (PMID: 10352164, 38161518). Given the available evidence, this variant is classified as Likely Pathogenic.

Fulgent Genetics
Classification: Likely pathogenic for Mitochondrial trifunctional protein deficiency 1; Long chain 3-hydroxyacyl-CoA dehydrogenase deficiency. Last evaluated: 2024-04-13. Review status: criteria provided, single submitter. Criteria: ACMG Guidelines, 2015. Collection method: clinical testing. Allele origin: germline.

Labcorp Genetics (formerly Invitae), Labcorp
Classification: Pathogenic for Mitochondrial trifunctional protein deficiency; Long chain 3-hydroxyacyl-CoA dehydrogenase deficiency. Last evaluated: 2024-02-23. Review status: criteria provided, single submitter. Criteria: Invitae Variant Classification Sherloc (09022015). Collection method: clinical testing. Allele origin: germline.
Comment: This sequence change affects a splice site in intron 15 of the HADHA gene. It is expected to disrupt RNA splicing. Variants that disrupt the donor or acceptor splice site typically lead to a loss of protein function (PMID: 16199547), and loss-of-function variants in HADHA are known to be pathogenic (PMID: 7738175, 21103935, 21549624, 22459206). This variant is present in population databases (rs764557236, gnomAD 0.01%). Disruption of this splice site has been observed in individual(s) with long chain 3-hydroxyacyl-CoA dehydrogenase (LCHAD) deficiency (PMID: 10352164). In at least one individual the data is consistent with being in trans (on the opposite chromosome) from a pathogenic variant. This variant is also known as delta1617 >+1. ClinVar contains an entry for this variant (Variation ID: 558276). Algorithms developed to predict the effect of sequence changes on RNA splicing suggest that this variant may disrupt the consensus splice site. For these reasons, this variant has been classified as Pathogenic.

Revvity Omics, Revvity
Classification: Likely pathogenic. Last evaluated: 2022-11-19. Review status: criteria provided, single submitter. Criteria: ACMG Guidelines, 2015. Collection method: clinical testing. Allele origin: germline.

Counsyl
Classification: Likely pathogenic for Long chain 3-hydroxyacyl-CoA dehydrogenase deficiency. Last evaluated: 2018-05-09. Review status: no assertion criteria provided. Collection method: clinical testing. Allele origin: unknown. Not counted in ClinVar's aggregate classification.

Literature cited by the submitters: PubMed 10352164 (cited by 3 submitters); PubMed 38161518 (cited by Natera, Inc.); PubMed 16199547 (cited by Labcorp Genetics (formerly Invitae), Labcorp); PubMed 7738175 (cited by Labcorp Genetics (formerly Invitae), Labcorp); PubMed 21103935 (cited by Labcorp Genetics (formerly Invitae), Labcorp); PubMed 21549624 (cited by Labcorp Genetics (formerly Invitae), Labcorp); PubMed 22459206 (cited by Labcorp Genetics (formerly Invitae), Labcorp).

NM_000182.5(HADHA):c.1620+2_1620+6del

Genes: GAREM2 (GRB2 associated regulator of MAPK1 subtype 2; plus strand), HADHA (hydroxyacyl-CoA dehydrogenase trifunctional multienzyme complex subunit alpha; minus strand). Cytogenetic location: 2p23.3.
Variant type: Microsatellite.
Coding change: c.1620+2_1620+6del on transcript NM_000182.5 (MANE Select); the canonical splice donor site of the intron after coding-DNA position 1620 through 6 bases into the intron after coding-DNA position 1620, 5 bases deleted (TAAGG; older notation c.1620+2_1620+6delTAAGG).
Molecular consequence: splice donor variant.
Genome position (GRCh38, 1-based): chr2:26,195,086-26,195,090, CCTTA deleted on the plus strand (TAAGG on the coding strand, the reverse complement: HADHA is on the minus strand); deleting any 5 consecutive bases within chr2:26,195,086-26,195,095 gives the same sequence; the c. name uses the placement nearest the transcript's 3' end. VCF-style (leftmost placement, unchanged base first): chr2-26195085-CCCTTA-C. GRCh37 (hg19) VCF-style: chr2-26417954-CCCTTA-C.
Other names: c.1620+2_1620+6delTAAGG (NM_000182.4).
Identifiers: ClinVar variation 558276 (VCV000558276.11), dbSNP rs764557236, ClinGen allele CA1559522.
Genomic context (GRCh38, chr2:26,195,085, plus strand): 5'-CTGGAGGTAAAAGGAGTCTTATTAGAACTTTTCAAAAACTCTGCAGCTCTGTTATACAGC[CCCTTA>C]CCTTAACCACAATGATGACCTTCCCCTGCTTGAGACCAACTGCTACAGCTGAAGCACTGG-3'